The following is an entry in ClinVar:

ClinVar aggregate classification (germline): Uncertain significance (1 of 4 stars; one submission).

Submission:

Ambry Genetics
Classification: Uncertain significance. Last evaluated: 2021-12-10. Review status: criteria provided, single submitter. Criteria: Ambry Variant Classification Scheme 2023. Collection method: clinical testing. Allele origin: germline.
Comment: The p.S1065I variant (also known as c.3194G>T), located in coding exon 27 of the PRKDC gene, results from a G to T substitution at nucleotide position 3194. The serine at codon 1065 is replaced by isoleucine, an amino acid with dissimilar properties. This amino acid position is conserved. In addition, this alteration is predicted to be deleterious by in silico analysis. Since supporting evidence is limited at this time, the clinical significance of this alteration remains unclear.

NM_006904.7(PRKDC):c.3194G>T (p.Ser1065Ile)

Gene: PRKDC (protein kinase, DNA-activated, catalytic subunit; minus strand). Cytogenetic location: 8q11.21.
Variant type: single nucleotide variant.
Coding change: c.3194G>T on transcript NM_006904.7 (MANE Select); coding-DNA position 3194, G replaced by T.
Protein change: p.Ser1065Ile; replaces serine 1065 with isoleucine.
Molecular consequence: missense variant.
Genome position (GRCh38, 1-based): chr8:47,902,644, C>A on the plus strand (G>T on the coding strand, the complement: PRKDC is on the minus strand). VCF-style: chr8-47902644-C-A. GRCh37 (hg19) VCF-style: chr8-48815204-C-A.
Other names: c.3194G>T, p.Ser1065Ile (NM_001081640.2); short protein forms S1065I.
Identifiers: ClinVar variation 1728698 (VCV001728698.2), dbSNP rs1466812299, ClinGen allele CA371156735.